The following is an entry in ClinVar:

NM_001673.5(ASNS):c.1211G>A (p.Arg404His)

Genes: ASNS (asparagine synthetase (glutamine-hydrolyzing); minus strand), CZ1P-ASNS (CZ1P-ASNS readthrough; minus strand). Cytogenetic location: 7q21.3.
Variant type: single nucleotide variant.
Coding change: c.1211G>A on transcript NM_001673.5 (MANE Select); coding-DNA position 1211, G replaced by A.
Protein change: p.Arg404His; replaces arginine 404 with histidine.
Molecular consequence: missense variant. On other transcripts: non-coding transcript variant (1).
Genome position (GRCh38, 1-based): chr7:97,854,607, C>T on the plus strand (G>A on the coding strand, the complement: ASNS is on the minus strand). VCF-style: chr7-97854607-C-T. GRCh37 (hg19) VCF-style: chr7-97483919-C-T.
Other names: c.1148G>A, p.Arg383His (NM_001178075.2); c.962G>A, p.Arg321His (NM_001178076.2, NM_001178077.1); c.1211G>A, p.Arg404His (NM_001352496.2, NM_133436.3, NM_183356.4); short protein forms R321H, R383H, R404H.
Identifiers: ClinVar variation 1252063 (VCV001252063.22), dbSNP rs774808316, ClinGen allele CA4354567.

ClinVar aggregate classification (germline): Likely pathogenic. Review status: criteria provided, multiple submitters, no conflicts (2 of 4 stars). 9 submissions from 8 submitters: Likely pathogenic (7). 2 of the submissions do not count toward it. Last evaluated 2025-11-17.

Conditions:
Spinocerebellar ataxia, autosomal recessive 29. Also called: BARAKAT-VAN HAM-KAYA SYNDROME; NEURODEVELOPMENTAL DISORDER WITH HYPOTONIA AND CEREBELLAR ATAXIA. Identifiers: MedGen C5543595, MONDO:0030312, OMIM 619389.
Congenital microcephaly - severe encephalopathy - progressive cerebral atrophy syndrome. Also called: ASNS DEFICIENCY; Asparagine synthetase deficiency. Identifiers: Orphanet 391376, MedGen C3809971, MONDO:0014258, OMIM 615574.

Allele frequency attached by ClinVar (database versions not stated): ExAC 0.00002; gnomAD exomes 0.00006 and 0.00003; TOPMed 0.00004; gnomAD 0.00004 and 0.00003.
gnomAD v4.1: 53 of 1,613,964 alleles (0.0033%); highest among the groups gnomAD compares: Admixed American, 0.0083%; no homozygotes.

Submissions (9):

Labcorp Genetics (formerly Invitae), Labcorp
Classification: Likely pathogenic. Last evaluated: 2025-11-17. Review status: criteria provided, single submitter. Criteria: Invitae Variant Classification Sherloc (09022015). Collection method: clinical testing. Allele origin: germline.
Comment: This sequence change replaces arginine, which is basic and polar, with histidine, which is basic and polar, at codon 404 of the ASNS protein (p.Arg404His). This variant is present in population databases (rs774808316, gnomAD 0.02%). This missense change has been observed in individuals with ASNS-related conditions (PMID: 27711071, 29405484). This variant is also known as NM_001178076.1:c.962G>A (p.Arg321His). ClinVar contains an entry for this variant (Variation ID: 1252063). Invitae Evidence Modeling of protein sequence and biophysical properties (such as structural, functional, and spatial information, amino acid conservation, physicochemical variation, residue mobility, and thermodynamic stability) indicates that this missense variant is expected to disrupt ASNS protein function with a positive predictive value of 80%. This variant disrupts the p.Arg404 amino acid residue in ASNS. Other variant(s) that disrupt this residue have been observed in individuals with ASNS-related conditions (PMID: 36374791), which suggests that this may be a clinically significant amino acid residue. In summary, the currently available evidence indicates that the variant is pathogenic, but additional data are needed to prove that conclusively. Therefore, this variant has been classified as Likely Pathogenic.

Natera, Inc.
Classification: Likely pathogenic for Asparagine synthetase deficiency. Last evaluated: 2025-09-15. Review status: criteria provided, single submitter. Criteria: Natera Variant Classification Schema (03/2026). Collection method: clinical testing. Allele origin: germline.
Comment: The c.1211G>A variant in ASNS is a missense variant predicted to cause substitution of arginine to histidine at amino acid 404. This variant is rare in the general population with a frequency below the threshold expected for the associated phenotype(s). This variant has been observed in one or more individuals affected with the associated recessive disease, as either homozygous or compound heterozygous with a second variant (PMID: 32741967, 30214071). This variant has been identified in one or more affected individuals with a phenotype highly consistent with the associated gene (PMID: 32741967, 30214071). Computational prediction algorithms indicate this variant is likely to affect gene or protein function. Given the available evidence, this variant is classified as Likely Pathogenic.

Genomic Medicine Center of Excellence, King Faisal Specialist Hospital and Research Centre
Classification: Likely pathogenic for Spinocerebellar ataxia, autosomal recessive 29. Last evaluated: 2024-12-17. Review status: criteria provided, single submitter. Criteria: ACMG Guidelines, 2015. Collection method: clinical testing. Allele origin: germline.

Fulgent Genetics
Classification: Likely pathogenic for Congenital microcephaly - severe encephalopathy - progressive cerebral atrophy syndrome. Last evaluated: 2024-05-23. Review status: criteria provided, single submitter. Criteria: ACMG Guidelines, 2015. Collection method: clinical testing. Allele origin: germline.

Department of Pathology and Laboratory Medicine, Sinai Health System
Classification: Likely pathogenic for congenital microcephaly - severe encephalopathy - progressive cerebral atrophy syndrome. Last evaluated: 2023-07-11. Review status: criteria provided, single submitter. Criteria: ACMG Guidelines, 2015. Collection method: research. Allele origin: germline.

GeneDx
Classification: Likely pathogenic. Last evaluated: 2022-06-01. Review status: criteria provided, single submitter. Criteria: GeneDx Variant Classification Process June 2021. Collection method: clinical testing. Allele origin: germline. Affected: yes.
Comment: Not observed at significant frequency in large population cohorts (gnomAD); In silico analysis supports that this missense variant has a deleterious effect on protein structure/function; This variant is associated with the following publications: (PMID: 32552793, 30214071, 29405484, 32741967, 27711071)

Kasturba Medical College, Manipal, Kasturba Medical College, Manipal, Manipal Academy of Higher Education, Manipal, India
Classification: Likely pathogenic for Congenital microcephaly - severe encephalopathy - progressive cerebral atrophy syndrome. Review status: criteria provided, single submitter. Criteria: ACMG Guidelines, 2015. Collection method: research. Allele origin: inherited. Affected: yes.

Genomic Medicine Center of Excellence, King Faisal Specialist Hospital and Research Centre
Classification: Pathogenic for Congenital microcephaly - severe encephalopathy - progressive cerebral atrophy syndrome. Last evaluated: 2021-04-29. Review status: no assertion criteria provided. Collection method: research. Allele origin: germline. Affected: yes. Not counted in ClinVar's aggregate classification.

Hong-Tao Li Lab, Institute of Brain Science and Brain-inspired Research, Shandong First Medical University & Shandong Academy of Medical Sciences China
Classification: Pathogenic for Congenital microcephaly - severe encephalopathy - progressive cerebral atrophy syndrome. Review status: no assertion criteria provided. Collection method: research. Allele origin: germline. Inheritance: Autosomal recessive inheritance. Affected: yes. Observed: 1 variant allele, 1 homozygote. Not counted in ClinVar's aggregate classification.
Comment: Observed in affected individuals from a Pakistani neurodevelopmental-disorder research cohort of 263 individuals. Classification assigned using the ACMG/AMP framework. Population-frequency evidence: gnomAD AF 5.304e-05.

Literature cited by the submitters: PubMed 27711071 (cited by Labcorp Genetics (formerly Invitae), Labcorp); PubMed 29405484 (cited by Labcorp Genetics (formerly Invitae), Labcorp); PubMed 36374791 (cited by Labcorp Genetics (formerly Invitae), Labcorp); PubMed 32741967 (cited by Natera, Inc.); PubMed 30214071 (cited by Natera, Inc.).